The following is an entry in ClinVar:

ClinVar aggregate classification (germline): Uncertain significance. Review status: criteria provided, multiple submitters, no conflicts (2 of 4 stars). 2 submissions from 2 submitters: Uncertain significance (2). Last evaluated 2025-02-08.

Conditions:
MHC class II deficiency. Also called: Bare lymphocyte syndrome 2; BLS, TYPE II. Identifiers: Orphanet 572, MedGen C5447452, MONDO:0008855.

Allele frequency attached by ClinVar (database versions not stated): TOPMed 0.00002.
gnomAD v4.1: 4 of 1,614,084 alleles (0.00025%); highest among the groups gnomAD compares: Non-Finnish European, 0.00034%; no homozygotes.

Submissions (2):

Ambry Genetics
Classification: Uncertain significance. Last evaluated: 2025-02-08. Review status: criteria provided, single submitter. Criteria: Ambry Variant Classification Scheme 2023. Collection method: clinical testing. Allele origin: germline.

Labcorp Genetics (formerly Invitae), Labcorp
Classification: Uncertain significance for MHC class II deficiency. Last evaluated: 2022-04-30. Review status: criteria provided, single submitter. Criteria: Invitae Variant Classification Sherloc (09022015). Collection method: clinical testing. Allele origin: germline.
Comment: In summary, the available evidence is currently insufficient to determine the role of this variant in disease. Therefore, it has been classified as a Variant of Uncertain Significance. This sequence change replaces glycine, which is neutral and non-polar, with serine, which is neutral and polar, at codon 182 of the RFX5 protein (p.Gly182Ser). This variant is not present in population databases (gnomAD no frequency). This variant has not been reported in the literature in individuals affected with RFX5-related conditions. Algorithms developed to predict the effect of missense changes on protein structure and function output the following: SIFT: "Tolerated"; PolyPhen-2: "Benign"; Align-GVGD: "Class C0". The serine amino acid residue is found in multiple mammalian species, which suggests that this missense change does not adversely affect protein function.

NM_001025603.2(RFX5):c.544G>A (p.Gly182Ser)

Gene: RFX5 (regulatory factor X5; minus strand). Cytogenetic location: 1q21.3.
Variant type: single nucleotide variant.
Coding change: c.544G>A on transcript NM_001025603.2 (MANE Select); coding-DNA position 544, G replaced by A.
Protein change: p.Gly182Ser; replaces glycine 182 with serine.
Molecular consequence: missense variant.
Genome position (GRCh38, 1-based): chr1:151,344,208, C>T on the plus strand (G>A on the coding strand, the complement: RFX5 is on the minus strand). VCF-style: chr1-151344208-C-T. GRCh37 (hg19) VCF-style: chr1-151316684-C-T.
Other names: c.544G>A, p.Gly182Ser (NM_000449.4, NM_001379412.1, NM_001379413.1 and 5 more transcripts); c.424G>A, p.Gly142Ser (NM_001379419.1, NM_001379420.1); short protein forms G142S, G182S.
Identifiers: ClinVar variation 2416653 (VCV002416653.5), dbSNP rs146781151, ClinGen allele CA341939807.